The following is an entry in ClinVar:

ClinVar aggregate classification (germline): Uncertain significance (1 of 4 stars; one submission).

Allele frequency attached by ClinVar (database versions not stated): gnomAD exomes below 0.00001; ExAC 0.00001.
gnomAD v4.1: 6 of 1,588,098 alleles (0.00038%); highest among the groups gnomAD compares: Non-Finnish European, 0.00052%; no homozygotes.

Submission:

Labcorp Genetics (formerly Invitae), Labcorp
Classification: Uncertain significance. Last evaluated: 2022-05-15. Review status: criteria provided, single submitter. Criteria: Invitae Variant Classification Sherloc (09022015). Collection method: clinical testing. Allele origin: germline.
Comment: In summary, the available evidence is currently insufficient to determine the role of this variant in disease. Therefore, it has been classified as a Variant of Uncertain Significance. Algorithms developed to predict the effect of missense changes on protein structure and function are either unavailable or do not agree on the potential impact of this missense change (SIFT: "Deleterious"; PolyPhen-2: "Benign"; Align-GVGD: "Class C0"). This variant has not been reported in the literature in individuals affected with SRP54-related conditions. This variant is present in population databases (rs763467987, gnomAD 0.0009%). This sequence change replaces isoleucine, which is neutral and non-polar, with leucine, which is neutral and non-polar, at codon 187 of the SRP54 protein (p.Ile187Leu).

NM_003136.4(SRP54):c.559A>C (p.Ile187Leu)

Gene: SRP54 (signal recognition particle 54; plus strand). Cytogenetic location: 14q13.2.
Variant type: single nucleotide variant.
Coding change: c.559A>C on transcript NM_003136.4 (MANE Select); coding-DNA position 559, A replaced by C.
Protein change: p.Ile187Leu; replaces isoleucine 187 with leucine.
Molecular consequence: missense variant.
Genome position (GRCh38, 1-based): chr14:35,011,582, A>C. VCF-style: chr14-35011582-A-C. GRCh37 (hg19) VCF-style: chr14-35480788-A-C.
Other names: c.412A>C, p.Ile138Leu (NM_001146282.2); c.559A>C, p.Ile187Leu (NM_001411017.1); short protein forms I187L, I138L.
Identifiers: ClinVar variation 1981109 (VCV001981109.4), dbSNP rs763467987, ClinGen allele CA7153634.
Genomic context (GRCh38, chr14:35,011,582, plus strand): 5'-GATCCTGTCATCATTGCTTCTGAAGGAGTAGAGAAATTTAAAAATGAAAATTTTGAAATT[A>C]TTATTGTTGATACAAGTGGCCGCCACAAACAAGAAGACTCTTTGTTTGAAGAAATGCTTC-3'
Protein context (NP_003127.1, residues 177-197): EKFKNENFEI[Ile187Leu]IVDTSGRHKQ